The following is an entry in ClinVar:

NM_001370298.3(FGD4):c.603A>G (p.Gln201=)

Gene: FGD4 (FYVE, RhoGEF and PH domain containing 4; plus strand). Cytogenetic location: 12p11.21.
Variant type: single nucleotide variant.
Coding change: c.603A>G on transcript NM_001370298.3 (MANE Select); coding-DNA position 603, A replaced by G.
Protein change: p.Gln201=; no amino-acid change (glutamine 201 retained).
Molecular consequence: synonymous variant. On other transcripts: 5 prime UTR variant (5), non-coding transcript variant (1), intron variant (1).
Genome position (GRCh38, 1-based): chr12:32,582,059, A>G. VCF-style: chr12-32582059-A-G. GRCh37 (hg19) VCF-style: chr12-32734993-A-G.
Other names: c.447A>G, p.Gln149= (NM_001304481.2); c.-653A>G (NM_001304483.2); c.-960A>G (NM_001304484.2); c.-88A>G (NM_001330373.2, NM_001330374.2, NM_001384130.1); c.603A>G, p.Gln201= (NM_001384126.1); c.192A>G, p.Gln64= (NM_001384127.1, NM_001384128.1, NM_001384131.1 and 3 more transcripts); c.49-16438A>G (NM_001370297.1); c.192A>G (NM_139241.2).
Identifiers: ClinVar variation 543396 (VCV000543396.13), dbSNP rs771558628, ClinGen allele CA6506597.

ClinVar aggregate classification (germline): Likely benign. Review status: criteria provided, multiple submitters, no conflicts (2 of 4 stars). 3 submissions from 3 submitters: Likely benign (2). 1 of the submissions does not count toward it. Last evaluated 2026-01-21.

Conditions:
Charcot-Marie-Tooth disease type 4. Also called: Charcot-Marie-Tooth disease, type IV; Charcot-Marie-Tooth, Type 4. Identifiers: Orphanet 64749, MedGen C4082197, MONDO:0018995.
FGD4-related disorder. Also called: FGD4-related condition.
Inborn genetic diseases. Identifiers: MedGen C0950123, MeSH D030342.

Allele frequency attached by ClinVar (database versions not stated): gnomAD 0.00008 and 0.00007; TOPMed 0.00008; ExAC 0.00001; gnomAD exomes 0.00004 and 0.00005.
gnomAD v4.1: 65 of 1,614,056 alleles (0.004%); highest among the groups gnomAD compares: Admixed American, 0.035%; no homozygotes.

Submissions (3):

Labcorp Genetics (formerly Invitae), Labcorp
Classification: Likely benign for Charcot-Marie-Tooth disease type 4. Last evaluated: 2026-01-21. Review status: criteria provided, single submitter. Criteria: Invitae Variant Classification Sherloc (09022015). Collection method: clinical testing. Allele origin: germline.

Ambry Genetics
Classification: Likely benign for Inborn genetic diseases. Last evaluated: 2019-07-11. Review status: criteria provided, single submitter. Criteria: Ambry Variant Classification Scheme 2023. Collection method: clinical testing. Allele origin: germline.

PreventionGenetics, part of Exact Sciences
Classification: Likely benign for FGD4-related condition. Last evaluated: 2023-06-07. Review status: no assertion criteria provided. Collection method: clinical testing. Allele origin: germline. Not counted in ClinVar's aggregate classification.
Comment: This variant is classified as likely benign based on ACMG/AMP sequence variant interpretation guidelines (Richards et al. 2015 PMID: 25741868, with internal and published modifications).